The following is an entry in ClinVar:

ClinVar aggregate classification (germline): Uncertain significance (1 of 4 stars; one submission).

Allele frequency attached by ClinVar (database versions not stated): gnomAD 0.00001; TOPMed 0.00001; gnomAD exomes 0.00002.
gnomAD v4.1: 27 of 1,614,030 alleles (0.0017%); highest among the groups gnomAD compares: African/African-American, 0.0027%; no homozygotes.

Submission:

Labcorp Genetics (formerly Invitae), Labcorp
Classification: Uncertain significance. Last evaluated: 2023-09-28. Review status: criteria provided, single submitter. Criteria: Invitae Variant Classification Sherloc (09022015). Collection method: clinical testing. Allele origin: germline.
Comment: This sequence change replaces isoleucine, which is neutral and non-polar, with threonine, which is neutral and polar, at codon 971 of the ERBIN protein (p.Ile971Thr). This variant is present in population databases (no rsID available, gnomAD 0.0009%). This variant has not been reported in the literature in individuals affected with ERBIN-related conditions. An algorithm developed to predict the effect of missense changes on protein structure and function (PolyPhen-2) suggests that this variant is likely to be tolerated. In summary, the available evidence is currently insufficient to determine the role of this variant in disease. Therefore, it has been classified as a Variant of Uncertain Significance.

NM_001253697.2(ERBIN):c.2912T>C (p.Ile971Thr)

Gene: ERBIN (erbb2 interacting protein; plus strand). Cytogenetic location: 5q12.3.
Variant type: single nucleotide variant.
Coding change: c.2912T>C on transcript NM_001253697.2 (MANE Select); coding-DNA position 2912, T replaced by C.
Protein change: p.Ile971Thr; replaces isoleucine 971 with threonine.
Molecular consequence: missense variant.
Genome position (GRCh38, 1-based): chr5:66,054,230, T>C. VCF-style: chr5-66054230-T-C. GRCh37 (hg19) VCF-style: chr5-65350058-T-C.
Other names: c.2912T>C, p.Ile971Thr (NM_018695.4, NM_001006600.3, NM_001253698.2 and 1 more transcripts); c.2900T>C, p.Ile967Thr (NM_001253701.2); short protein forms I967T, I971T.
Identifiers: ClinVar variation 3009585 (VCV003009585.3), dbSNP rs971914530, ClinGen allele CA119868240.